The following is an entry in ClinVar:

NM_000051.4(ATM):c.901+8G>A

Gene: ATM (ATM serine/threonine kinase; plus strand). Cytogenetic location: 11q22.3.
Variant type: single nucleotide variant.
Coding change: c.901+8G>A on transcript NM_000051.4 (MANE Select); 8 bases into the intron after coding-DNA position 901, G replaced by A.
Molecular consequence: intron variant.
Genome position (GRCh38, 1-based): chr11:108,245,034, G>A. VCF-style: chr11-108245034-G-A. GRCh37 (hg19) VCF-style: chr11-108115761-G-A.
Other names: c.901+8G>A (NM_001351834.2).
Identifiers: ClinVar variation 923425 (VCV000923425.11), dbSNP rs1468806933, ClinGen allele CA602127464.

ClinVar aggregate classification (germline): Likely benign. Review status: criteria provided, multiple submitters, no conflicts (2 of 4 stars). 3 submissions from 3 submitters: Likely benign (3). Last evaluated 2025-01-26.

Conditions:
Hereditary cancer-predisposing syndrome. Also called: Hereditary Cancer Syndrome; Hereditary neoplastic syndrome; Neoplastic Syndromes, Hereditary; Tumor predisposition. Identifiers: Orphanet 140162, MedGen C0027672, MeSH D009386, MONDO:0015356.
Familial cancer of breast. Also called: hereditary breast carcinoma; BREAST CANCER, FAMILIAL; Hereditary breast cancer. Identifiers: Orphanet 227535, MedGen C0346153, MONDO:0016419, OMIM 114480. Disease mechanism: loss of function.
Ataxia-telangiectasia syndrome (AT). Also called: Ataxia-telangiectasia, complementation group E; LOUIS-BAR SYNDROME; Cerebello-oculocutaneous telangiectasia; Immunodeficiency with ataxia telangiectasia; Ataxia-telangiectasia, complementation group D; AT, COMPLEMENTATION GROUP C. Identifiers: Orphanet 100, MedGen C0004135, MONDO:0008840, OMIM 208900.

Allele frequency attached by ClinVar (database versions not stated): gnomAD exomes below 0.00001.

Submissions (3):

Labcorp Genetics (formerly Invitae), Labcorp
Classification: Likely benign for Ataxia-telangiectasia syndrome. Last evaluated: 2025-01-26. Review status: criteria provided, single submitter. Criteria: Invitae Variant Classification Sherloc (09022015). Collection method: clinical testing. Allele origin: germline.

Myriad Genetics, Inc.
Classification: Likely benign for Familial cancer of breast. Last evaluated: 2024-04-23. Review status: criteria provided, single submitter. Criteria: Myriad Autosomal Dominant, Autosomal Recessive and X-Linked Classification Criteria (2023). Collection method: clinical testing. Allele origin: unknown.
Comment: This variant is considered likely benign. This variant is intronic and is not expected to impact mRNA splicing.

Color Diagnostics, LLC DBA Color Health
Classification: Likely benign for Hereditary cancer-predisposing syndrome. Last evaluated: 2019-04-03. Review status: criteria provided, single submitter. Criteria: ACMG Guidelines, 2015. Collection method: clinical testing. Allele origin: germline.